The following is an entry in ClinVar:

NM_000383.4(AIRE):c.1091C>A (p.Thr364Asn)

Gene: AIRE (autoimmune regulator; plus strand). Cytogenetic location: 21q22.3.
Variant type: single nucleotide variant.
Coding change: c.1091C>A on transcript NM_000383.4 (MANE Select); coding-DNA position 1091, C replaced by A.
Protein change: p.Thr364Asn; replaces threonine 364 with asparagine.
Molecular consequence: missense variant.
Genome position (GRCh38, 1-based): chr21:44,292,397, C>A. VCF-style: chr21-44292397-C-A. GRCh37 (hg19) VCF-style: chr21-45712280-C-A.
Other names: c.1091C>A (NM_000383.2); short protein forms T364N.
Identifiers: ClinVar variation 1488633 (VCV001488633.7), dbSNP rs757362732, ClinGen allele CA410425237.

ClinVar aggregate classification (germline): Uncertain significance. Review status: criteria provided, multiple submitters, no conflicts (2 of 4 stars). 2 submissions from 2 submitters: Uncertain significance (2). Last evaluated 2025-12-09.

Conditions:
Inborn genetic diseases. Identifiers: MedGen C0950123, MeSH D030342.
Polyglandular autoimmune syndrome, type 1 (APS1). Also called: PGA I; AUTOIMMUNE POLYENDOCRINE SYNDROME, TYPE I, WITH OR WITHOUT REVERSIBLE METAPHYSEAL DYSPLASIA; HYPOADRENOCORTICISM WITH HYPOPARATHYROIDISM AND SUPERFICIAL MONILIASIS; Autoimmune polyendocrine syndrome type 1; APS I; Whitaker syndrome. Identifiers: Orphanet 3453, MedGen C0085859, MONDO:0009411, OMIM 240300.

gnomAD v4.1: 5 of 1,550,726 alleles (0.00032%); highest among the groups gnomAD compares: East Asian, 0.0024%; no homozygotes.

Submissions (2):

Ambry Genetics
Classification: Uncertain significance for Inborn genetic diseases. Last evaluated: 2025-12-09. Review status: criteria provided, single submitter. Criteria: Ambry Variant Classification Scheme 2023. Collection method: clinical testing. Allele origin: germline.

Labcorp Genetics (formerly Invitae), Labcorp
Classification: Uncertain significance for Polyglandular autoimmune syndrome, type 1. Last evaluated: 2025-02-15. Review status: criteria provided, single submitter. Criteria: Invitae Variant Classification Sherloc (09022015). Collection method: clinical testing. Allele origin: germline.
Comment: This sequence change replaces threonine, which is neutral and polar, with asparagine, which is neutral and polar, at codon 364 of the AIRE protein (p.Thr364Asn). The frequency data for this variant in the population databases is considered unreliable, as metrics indicate poor data quality at this position in the gnomAD database. This variant has not been reported in the literature in individuals affected with AIRE-related conditions. ClinVar contains an entry for this variant (Variation ID: 1488633). Invitae Evidence Modeling of protein sequence and biophysical properties (such as structural, functional, and spatial information, amino acid conservation, physicochemical variation, residue mobility, and thermodynamic stability) has been performed for this missense variant. However, the output from this modeling did not meet the statistical confidence thresholds required to predict the impact of this variant on AIRE protein function. In summary, the available evidence is currently insufficient to determine the role of this variant in disease. Therefore, it has been classified as a Variant of Uncertain Significance.